The following is an entry in ClinVar:

ClinVar aggregate classification (germline): Uncertain significance (1 of 4 stars; one submission).

Allele frequency attached by ClinVar (database versions not stated): gnomAD exomes below 0.00001; TOPMed below 0.00001.
gnomAD v4.1: 1 of 1,613,754 alleles (0.000062%); highest among the groups gnomAD compares: East Asian, 0.0022%; no homozygotes.

Submission:

Labcorp Genetics (formerly Invitae), Labcorp
Classification: Uncertain significance. Last evaluated: 2022-03-10. Review status: criteria provided, single submitter. Criteria: Invitae Variant Classification Sherloc (09022015). Collection method: clinical testing. Allele origin: germline.
Comment: In summary, the available evidence is currently insufficient to determine the role of this variant in disease. Therefore, it has been classified as a Variant of Uncertain Significance. Advanced modeling of protein sequence and biophysical properties (such as structural, functional, and spatial information, amino acid conservation, physicochemical variation, residue mobility, and thermodynamic stability) performed at Invitae indicates that this missense variant is expected to disrupt GRM6 protein function. ClinVar contains an entry for this variant (Variation ID: 855239). This variant has not been reported in the literature in individuals affected with GRM6-related conditions. This variant is not present in population databases (gnomAD no frequency). This sequence change replaces proline, which is neutral and non-polar, with arginine, which is basic and polar, at codon 614 of the GRM6 protein (p.Pro614Arg).

NM_000843.4(GRM6):c.1841C>G (p.Pro614Arg)

Genes: GRM6 (glutamate metabotropic receptor 6; minus strand), ZNF454 (zinc finger protein 454; plus strand). Cytogenetic location: 5q35.3.
Variant type: single nucleotide variant.
Coding change: c.1841C>G on transcript NM_000843.4 (MANE Select); coding-DNA position 1841, C replaced by G.
Protein change: p.Pro614Arg; replaces proline 614 with arginine.
Molecular consequence: missense variant.
Genome position (GRCh38, 1-based): chr5:178,986,413, G>C on the plus strand (C>G on the coding strand, the complement: GRM6 is on the minus strand). VCF-style: chr5-178986413-G-C. GRCh37 (hg19) VCF-style: chr5-178413414-G-C.
Other names: short protein forms P614R.
Identifiers: ClinVar variation 855239 (VCV000855239.9), dbSNP rs990985728, ClinGen allele CA133023433.